The following is an entry in ClinVar:

NM_004044.7(ATIC):c.399A>G (p.Arg133=)

Gene: ATIC (5-aminoimidazole-4-carboxamide ribonucleotide formyltransferase/IMP cyclohydrolase; plus strand). Cytogenetic location: 2q35.
Variant type: single nucleotide variant.
Coding change: c.399A>G on transcript NM_004044.7 (MANE Select); coding-DNA position 399, A replaced by G.
Protein change: p.Arg133=; no amino-acid change (arginine 133 retained).
Molecular consequence: synonymous variant.
Genome position (GRCh38, 1-based): chr2:215,326,006, A>G. VCF-style: chr2-215326006-A-G. GRCh37 (hg19) VCF-style: chr2-216190729-A-G.
Identifiers: ClinVar variation 723522 (VCV000723522.4), dbSNP rs770382367, ClinGen allele CA2092952.
Genomic context (GRCh38, chr2:215,326,006, plus strand): 5'-TAGGGACATACAAAAATCAATAAGTCTTTTGTTCTTCAAAGGTGGAGTAACCTTACTGAG[A>G]GCTGCAGCCAAAAACCACGCTCGAGTGACAGTGGTGTGTGAACCAGAGGACTATGTGGTG-3'
Protein context (NP_004035.2, residues 123-143): QIDIGGVTLL[Arg133=]AAAKNHARVT

ClinVar aggregate classification (germline): Likely benign. Review status: criteria provided, multiple submitters, no conflicts (2 of 4 stars). 2 submissions from 2 submitters: Likely benign (2). Last evaluated 2026-07-01.

Allele frequency attached by ClinVar (database versions not stated): gnomAD 0.00001; TOPMed 0.00005; gnomAD exomes 0.00015; ExAC 0.00016.
gnomAD v4.1: 46 of 1,614,052 alleles (0.0028%); highest among the groups gnomAD compares: Admixed American, 0.075%; no homozygotes.

Submissions (2):

CeGaT Center for Human Genetics Tuebingen
Classification: Likely benign. Last evaluated: 2026-07-01. Review status: criteria provided, single submitter. Criteria: CeGaT Center For Human Genetics Tuebingen Variant Classification Criteria Version 2. Collection method: clinical testing. Allele origin: germline. Affected: yes. Observed: 1 variant allele.
Comment: ATIC: BP4, BP7

Labcorp Genetics (formerly Invitae), Labcorp
Classification: Likely benign. Last evaluated: 2018-04-10. Review status: criteria provided, single submitter. Criteria: Invitae Variant Classification Sherloc (09022015). Collection method: clinical testing. Allele origin: germline.